The following is an entry in ClinVar:

NM_004667.6(HERC2):c.14150C>G (p.Ser4717Cys)

Gene: HERC2 (HECT and RLD domain containing E3 ubiquitin protein ligase 2; minus strand). Cytogenetic location: 15q13.1.
Variant type: single nucleotide variant.
Coding change: c.14150C>G on transcript NM_004667.6 (MANE Select); coding-DNA position 14150, C replaced by G.
Protein change: p.Ser4717Cys; replaces serine 4717 with cysteine.
Molecular consequence: missense variant.
Genome position (GRCh38, 1-based): chr15:28,113,153, G>C on the plus strand (C>G on the coding strand, the complement: HERC2 is on the minus strand). VCF-style: chr15-28113153-G-C. GRCh37 (hg19) VCF-style: chr15-28358299-G-C.
Other names: short protein forms S4717C.
Identifiers: ClinVar variation 3906628 (VCV003906628.1).

ClinVar aggregate classification (germline): Uncertain significance (1 of 4 stars; one submission).

Submission:

GeneDx
Classification: Uncertain significance. Last evaluated: 2024-12-17. Review status: criteria provided, single submitter. Criteria: GeneDx Variant Classification Process June 2021. Collection method: clinical testing. Allele origin: germline. Affected: yes.
Comment: Not observed at significant frequency in large population cohorts (gnomAD); In silico analysis supports that this missense variant has a deleterious effect on protein structure/function; Has not been previously published as pathogenic or benign to our knowledge